The following is an entry in ClinVar:

NM_004260.4(RECQL4):c.3143A>G (p.Lys1048Arg)

Gene: RECQL4 (RecQ like helicase 4; minus strand). Cytogenetic location: 8q24.3.
Variant type: single nucleotide variant.
Coding change: c.3143A>G on transcript NM_004260.4 (MANE Select); coding-DNA position 3143, A replaced by G.
Protein change: p.Lys1048Arg; replaces lysine 1048 with arginine.
Molecular consequence: missense variant.
Genome position (GRCh38, 1-based): chr8:144,512,237, T>C on the plus strand (A>G on the coding strand, the complement: RECQL4 is on the minus strand). VCF-style: chr8-144512237-T-C. GRCh37 (hg19) VCF-style: chr8-145737620-T-C.
Other names: p.Lys1048Arg; short protein forms K1048R.
Identifiers: ClinVar variation 407025 (VCV000407025.20), dbSNP rs202203322, ClinGen allele CA4947914.

ClinVar aggregate classification (germline): Conflicting classifications of pathogenicity. Review status: criteria provided, conflicting classifications (1 of 4 stars). 8 submissions from 8 submitters: Uncertain significance (5); Benign (1); Likely benign (1). 1 of the submissions does not count toward it. Last evaluated 2026-02-01.

Conditions:
RECQL4-related disorder. Also called: RECQL4-related disorders; RECQL4-related condition.
Hereditary cancer-predisposing syndrome. Also called: Neoplastic Syndromes, Hereditary; Tumor predisposition; Hereditary Cancer Syndrome; Hereditary neoplastic syndrome. Identifiers: Orphanet 140162, MedGen C0027672, MeSH D009386, MONDO:0015356.
Baller-Gerold syndrome (BGS). Also called: CRANIOSYNOSTOSIS WITH RADIAL DEFECTS. Identifiers: Orphanet 1225, MedGen C0265308, MONDO:0009039, OMIM 218600.

Allele frequency attached by ClinVar (database versions not stated): TOPMed 0.00036; gnomAD 0.00042 and 0.00044; gnomAD exomes 0.00044; ESP Exome Variant Server 0.00048; ExAC 0.00051.
gnomAD v4.1: 622 of 1,612,166 alleles (0.039%); highest among the groups gnomAD compares: Non-Finnish European, 0.047%; no homozygotes.

Submissions (8):

Labcorp Genetics (formerly Invitae), Labcorp
Classification: Benign for Baller-Gerold syndrome. Last evaluated: 2026-02-01. Review status: criteria provided, single submitter. Criteria: Invitae Variant Classification Sherloc (09022015). Collection method: clinical testing. Allele origin: germline.

Mayo Clinic Laboratories, Mayo Clinic
Classification: Uncertain significance. Last evaluated: 2025-09-19. Review status: criteria provided, single submitter. Criteria: ACMG Guidelines, 2015. Collection method: clinical testing. Allele origin: germline. Observed: 1 variant allele.

Blueprint Genetics
Classification: Likely benign. Last evaluated: 2024-11-27. Review status: criteria provided, single submitter. Criteria: ACMG Guidelines, 2015. Collection method: clinical testing. Allele origin: germline.

St. Jude Molecular Pathology, St. Jude Children's Research Hospital
Classification: Uncertain significance for Baller-Gerold syndrome. Last evaluated: 2024-02-13. Review status: criteria provided, single submitter. Criteria: St. Jude Assertion Criteria 2020. Collection method: clinical testing. Allele origin: germline.
Comment: The RECQL4 c.3143A>G (p.Lys1048Arg) missense change has a maximum subpopulation frequency of 0.08% in gnomAD v2.1.1. In silico tools predict a benign effect on protein function, but this prediction has not been confirmed by functional studies. This variant has not been reported in individuals with RECQL4-associated conditions. In summary, the evidence currently available is insufficient to determine the clinical significance of this variant. It has therefore been classified as of uncertain significance.

Sema4
Classification: Uncertain significance for Hereditary cancer-predisposing syndrome. Last evaluated: 2021-11-15. Review status: criteria provided, single submitter. Criteria: Sema4 Curation Guidelines. Collection method: curation. Allele origin: germline.
Comment: To the best of our knowledge, the RECQL4 c.3143A>G (p.K1048R) variant has not been reported in individuals with RECQL4-related disease. It was observed in 106/126892 chromosomes of the Non-Finnish European subpopulation, with no homozygotes, in the large and broad cohorts of the Genome Aggregation Database (PMID: 32461654). The variant has been reported in ClinVar (Variation ID 407025). In silico tools suggest the impact of the variant on protein function is benign. A functional study demonstrated the variant to result in decreased RNF8 mediated ubiquitination level relative to wild-type protein (PMID: 33674555). The evidence is insufficient to meet ACMG/AMP criteria for classifying the variant as benign or pathogenic. Thus, the clinical significance of this variant is currently uncertain.

Institute for Clinical Genetics, University Hospital TU Dresden, University Hospital TU Dresden
Classification: Uncertain significance. Last evaluated: 2021-11-03. Review status: criteria provided, single submitter. Criteria: ACMG Guidelines, 2015. Collection method: clinical testing. Allele origin: germline.

Mendelics
Classification: Uncertain significance for Baller-Gerold syndrome. Last evaluated: 2019-05-28. Review status: criteria provided, single submitter. Criteria: Mendelics Assertion Criteria 2017. Collection method: clinical testing. Allele origin: unknown.

PreventionGenetics, part of Exact Sciences
Classification: Uncertain significance for RECQL4-related condition. Last evaluated: 2024-05-20. Review status: no assertion criteria provided. Collection method: clinical testing. Allele origin: germline. Not counted in ClinVar's aggregate classification.
Comment: The RECQL4 c.3143A>G variant is predicted to result in the amino acid substitution p.Lys1048Arg. To our knowledge, this variant has not been reported in the literature. This variant is reported in 0.084% of alleles in individuals of European (Non-Finnish) descent in gnomAD and is listed in ClinVar with conflicting interpretations of likely benign and uncertain significance. Although we suspect that this variant may be benign, at this time, the clinical significance of this variant is uncertain due to the absence of conclusive functional and genetic evidence.

Literature cited by the submitters: PubMed 33674555 (cited by Mayo Clinic Laboratories, Mayo Clinic and Sema4).